The following is an entry in ClinVar:

ClinVar aggregate classification (germline): Uncertain significance. Review status: criteria provided, multiple submitters, no conflicts (2 of 4 stars). 2 submissions from 2 submitters: Uncertain significance (2). Last evaluated 2025-12-31.

Conditions:
Cardiovascular phenotype. Identifiers: MedGen CN230736.
Long QT syndrome (LQTS). Identifiers: MedGen C0023976, MeSH D008133, MONDO:0002442. Disease mechanism: loss of function. Inheritance: Various modes of inheritance.

Submissions (2):

Labcorp Genetics (formerly Invitae), Labcorp
Classification: Uncertain significance for Long QT syndrome. Last evaluated: 2025-12-31. Review status: criteria provided, single submitter. Criteria: Invitae Variant Classification Sherloc (09022015). Collection method: clinical testing. Allele origin: germline.
Comment: This sequence change falls in intron 20 of the AKAP9 gene. It does not directly change the encoded amino acid sequence of the AKAP9 protein. It affects a nucleotide within the consensus splice site. This variant is not present in population databases (gnomAD no frequency). This variant has not been reported in the literature in individuals affected with AKAP9-related conditions. ClinVar contains an entry for this variant (Variation ID: 1745732). Variants that disrupt the consensus splice site are a relatively common cause of aberrant splicing (PMID: 17576681, 9536098). Algorithms developed to predict the effect of sequence changes on RNA splicing suggest that this variant is not likely to affect RNA splicing. In summary, the available evidence is currently insufficient to determine the role of this variant in disease. Therefore, it has been classified as a Variant of Uncertain Significance.

Ambry Genetics
Classification: Uncertain significance for Cardiovascular phenotype. Last evaluated: 2023-04-18. Review status: criteria provided, single submitter. Criteria: Ambry Variant Classification Scheme 2023. Collection method: clinical testing. Allele origin: germline.
Comment: The c.5162+4T>A intronic variant results from a T to A substitution 4 nucleotides after coding exon 20 in the AKAP9 gene. This nucleotide position is well conserved in available vertebrate species. In silico splice site analysis predicts that this alteration will not have any significant effect on splicing. The evidence for this gene-disease relationship is limited; therefore, the clinical significance of this alteration is unclear.

Literature cited by the submitters: PubMed 17576681 (cited by Labcorp Genetics (formerly Invitae), Labcorp); PubMed 9536098 (cited by Labcorp Genetics (formerly Invitae), Labcorp).

NM_005751.5(AKAP9):c.5162+4T>A

Gene: AKAP9 (A-kinase anchoring protein 9; plus strand). Cytogenetic location: 7q21.2.
Variant type: single nucleotide variant.
Coding change: c.5162+4T>A on transcript NM_005751.5 (MANE Select); 4 bases into the intron after coding-DNA position 5162, T replaced by A.
Molecular consequence: intron variant.
Genome position (GRCh38, 1-based): chr7:92,042,775, T>A. VCF-style: chr7-92042775-T-A. GRCh37 (hg19) VCF-style: chr7-91672089-T-A.
Other names: c.5162+4T>A (NM_147185.3).
Identifiers: ClinVar variation 1745732 (VCV001745732.5), dbSNP rs2484823109, ClinGen allele CA2580077457.